The following is an entry in ClinVar:

NM_001365999.1(SZT2):c.7687G>A (p.Ala2563Thr)

Gene: SZT2 (SZT2 subunit of KICSTOR complex; plus strand). Cytogenetic location: 1p34.2.
Variant type: single nucleotide variant.
Coding change: c.7687G>A on transcript NM_001365999.1 (MANE Select); coding-DNA position 7687, G replaced by A.
Protein change: p.Ala2563Thr; replaces alanine 2563 with threonine.
Molecular consequence: missense variant.
Genome position (GRCh38, 1-based): chr1:43,441,763, G>A. VCF-style: chr1-43441763-G-A. GRCh37 (hg19) VCF-style: chr1-43907434-G-A.
Other names: c.7516G>A, p.Ala2506Thr (NM_015284.4); short protein forms A2563T, A2506T.
Identifiers: ClinVar variation 961362 (VCV000961362.13), dbSNP rs201491437, ClinGen allele CA810293.

ClinVar aggregate classification (germline): Conflicting classifications of pathogenicity. Review status: criteria provided, conflicting classifications (1 of 4 stars). 4 submissions from 4 submitters: Uncertain significance (3); Likely benign (1). Last evaluated 2025-12-31.

Conditions:
Developmental and epileptic encephalopathy, 18 (DEE18). Also called: Early infantile epileptic encephalopathy 18. Identifiers: Orphanet 369894, MedGen C3809624, MONDO:0014201, OMIM 615476.

Allele frequency attached by ClinVar (database versions not stated): gnomAD 0.00003; TOPMed 0.00004; gnomAD exomes 0.00006; ExAC 0.00007; ESP Exome Variant Server 0.00008.
gnomAD v4.1: 71 of 1,614,048 alleles (0.0044%); highest among the groups gnomAD compares: Middle Eastern, 0.016%; no homozygotes.

Submissions (4):

GeneDx
Classification: Uncertain significance. Last evaluated: 2025-12-31. Review status: criteria provided, single submitter. Criteria: GeneDx Variant Classification Process June 2021. Collection method: clinical testing. Allele origin: germline. Affected: yes.
Comment: Not observed at significant frequency in large population cohorts (gnomAD); In silico analysis suggests that this missense variant does not alter protein structure/function; Has not been previously published as pathogenic or benign to our knowledge

Labcorp Genetics (formerly Invitae), Labcorp
Classification: Uncertain significance. Last evaluated: 2024-10-23. Review status: criteria provided, single submitter. Criteria: Invitae Variant Classification Sherloc (09022015). Collection method: clinical testing. Allele origin: germline.
Comment: This sequence change replaces alanine, which is neutral and non-polar, with threonine, which is neutral and polar, at codon 2506 of the SZT2 protein (p.Ala2506Thr). This variant is present in population databases (rs201491437, gnomAD 0.01%). This variant has not been reported in the literature in individuals affected with SZT2-related conditions. ClinVar contains an entry for this variant (Variation ID: 961362). Invitae Evidence Modeling of protein sequence and biophysical properties (such as structural, functional, and spatial information, amino acid conservation, physicochemical variation, residue mobility, and thermodynamic stability) indicates that this missense variant is not expected to disrupt SZT2 protein function with a negative predictive value of 80%. In summary, the available evidence is currently insufficient to determine the role of this variant in disease. Therefore, it has been classified as a Variant of Uncertain Significance.

Blueprint Genetics
Classification: Likely benign. Last evaluated: 2024-06-25. Review status: criteria provided, single submitter. Criteria: ACMG Guidelines, 2015. Collection method: clinical testing. Allele origin: germline.

Genome-Nilou Lab
Classification: Uncertain significance for Developmental and epileptic encephalopathy, 18. Last evaluated: 2023-04-11. Review status: criteria provided, single submitter. Criteria: ACMG Guidelines, 2015. Collection method: clinical testing. Allele origin: germline. Affected: no.